The following is an entry in ClinVar:

NM_002691.4(POLD1):c.255del (p.Ala86fs)

Gene: POLD1 (DNA polymerase delta 1, catalytic subunit; plus strand). Cytogenetic location: 19q13.33.
Variant type: Deletion.
Coding change: c.255del on transcript NM_002691.4 (MANE Select); coding-DNA position 255, one base deleted (A; older notation c.255delA).
Protein change: p.Ala86fs; shifts the reading frame from alanine 86.
Molecular consequence: frameshift variant. On other transcripts: non-coding transcript variant (1).
Genome position (GRCh38, 1-based): chr19:50,399,423, A deleted. VCF-style (leftmost placement, unchanged base first): chr19-50399422-CA-C. GRCh37 (hg19) VCF-style: chr19-50902679-CA-C.
Other names: c.255del, p.Ala86fs (NM_001256849.1, NM_001308632.1); short protein forms A86fs.
Identifiers: ClinVar variation 2705635 (VCV002705635.3), dbSNP rs2513937160, ClinGen allele CA2697556729.
Genomic context (GRCh38, chr19:50,399,422, plus strand): 5'-CCCCACCAGGGCAGGTCCCACCATCAGCCATAGATCCTCGCTGGCTTCGGCCCACACCAC[CA>C]GCGCTGGACCCCCAGACAGAGCCCCTCATCTTCCAACAGTTGGAGATTGACCATTATGTG-3'

ClinVar aggregate classification (germline): Uncertain significance (1 of 4 stars; one submission).

Conditions:
POLD1-related polyposis and colorectal cancer syndrome (CRCS10). Also called: Colorectal cancer 10; Colorectal cancer, susceptibility to, 10; COLORECTAL CANCER, SUSCEPTIBILITY TO, ON CHROMOSOME 19q. Identifiers: Orphanet 220460, MedGen C2675481, MONDO:0012953, OMIM 612591.

Submission:

Labcorp Genetics (formerly Invitae), Labcorp
Classification: Uncertain significance for POLD1-related polyposis and colorectal cancer syndrome. Last evaluated: 2023-12-26. Review status: criteria provided, single submitter. Criteria: Invitae Variant Classification Sherloc (09022015). Collection method: clinical testing. Allele origin: germline.
Comment: This sequence change creates a premature translational stop signal (p.Ala86Argfs*83) in the POLD1 gene. Missense variants that disrupt the 3'-5' exonuclease (proof-reading) activity of the POLD1 protein are associated with PPAP (polymerase proofreading–associated polyposis) (PMID: 23263490, 23447401). However, loss-of-function variants that result in an absent or severely disrupted POLD1 protein, and missense variants outside the exonuclease domain, are unlikely to be associated with PPAP. This variant is not present in population databases (gnomAD no frequency). This variant has not been reported in the literature in individuals affected with POLD1-related conditions. In summary, the available evidence is currently insufficient to determine the role of this variant in disease. Therefore, it has been classified as a Variant of Uncertain Significance.

Literature cited by the submitters: PubMed 23263490; PubMed 23447401.